The following is an entry in ClinVar:

ClinVar aggregate classification (germline): Uncertain significance (1 of 4 stars; one submission).

Conditions:
Hereditary nonpolyposis colorectal neoplasms. Identifiers: MedGen C0009405, MeSH D003123.

gnomAD v4.1: 1 of 1,614,088 alleles (0.000062%); highest among the groups gnomAD compares: South Asian, 0.0011%; no homozygotes.

Submission:

Labcorp Genetics (formerly Invitae), Labcorp
Classification: Uncertain significance for Hereditary nonpolyposis colorectal neoplasms. Last evaluated: 2021-07-01. Review status: criteria provided, single submitter. Criteria: Invitae Variant Classification Sherloc (09022015). Collection method: clinical testing. Allele origin: germline.
Comment: This sequence change replaces arginine with leucine at codon 240 of the MSH6 protein (p.Arg240Leu). The arginine residue is weakly conserved and there is a moderate physicochemical difference between arginine and leucine. This variant is not present in population databases (ExAC no frequency). This variant has not been reported in the literature in individuals affected with MSH6-related conditions. Advanced modeling of protein sequence and biophysical properties (such as structural, functional, and spatial information, amino acid conservation, physicochemical variation, residue mobility, and thermodynamic stability) performed at Invitae indicates that this missense variant is not expected to disrupt MSH6 protein function. In summary, the available evidence is currently insufficient to determine the role of this variant in disease. Therefore, it has been classified as a Variant of Uncertain Significance.

NM_000179.3(MSH6):c.719G>T (p.Arg240Leu)

Gene: MSH6 (mutS homolog 6; plus strand). Cytogenetic location: 2p16.3.
Variant type: single nucleotide variant.
Coding change: c.719G>T on transcript NM_000179.3 (MANE Select); coding-DNA position 719, G replaced by T.
Protein change: p.Arg240Leu; replaces arginine 240 with leucine.
Molecular consequence: missense variant. On other transcripts: 5 prime UTR variant (2).
Genome position (GRCh38, 1-based): chr2:47,798,702, G>T. VCF-style: chr2-47798702-G-T. GRCh37 (hg19) VCF-style: chr2-48025841-G-T.
Other names: c.329G>T, p.Arg110Leu (NM_001281492.2); c.-188G>T (NM_001281493.2, NM_001281494.2); short protein forms R240L, R110L.
Identifiers: ClinVar variation 1403798 (VCV001403798.8), dbSNP rs542848931, ClinGen allele CA346740007.